The following is an entry in ClinVar:

NM_022552.5(DNMT3A):c.639+6G>A

Gene: DNMT3A (DNA methyltransferase 3 alpha; minus strand). Cytogenetic location: 2p23.3.
Variant type: single nucleotide variant.
Coding change: c.639+6G>A on transcript NM_022552.5 (MANE Select); 6 bases into the intron after coding-DNA position 639, G replaced by A.
Molecular consequence: intron variant.
Genome position (GRCh38, 1-based): chr2:25,274,935, C>T on the plus strand (G>A on the coding strand, the complement: DNMT3A is on the minus strand). VCF-style: chr2-25274935-C-T. GRCh37 (hg19) VCF-style: chr2-25497804-C-T.
Other names: c.639+6G>A (NM_175629.2).
Identifiers: ClinVar variation 1268044 (VCV001268044.7), dbSNP rs559534512, ClinGen allele CA1556419.

ClinVar aggregate classification (germline): Benign/Likely benign. Review status: criteria provided, multiple submitters, no conflicts (2 of 4 stars). 4 submissions from 4 submitters: Benign (1); Likely benign (3). Last evaluated 2025-09-13.

Conditions:
DNMT3A-related disorder. Also called: DNMT3A-related disorders; DNMT3A-related condition.
Tatton-Brown-Rahman overgrowth syndrome. Also called: Tall stature-intellectual disability-facial dysmorphism syndrome; Tatton-Brown-Rahman syndrome. Identifiers: Orphanet 404443, MedGen C4014545, MONDO:0014382, OMIM 615879.

Allele frequency attached by ClinVar (database versions not stated): 1000 Genomes Project 30x 0.00031; 1000 Genomes Project 0.00040.
gnomAD v4.1: 158 of 1,605,864 alleles (0.0098%); highest among the groups gnomAD compares: South Asian, 0.17%; 2 homozygotes.

Submissions (4):

Labcorp Genetics (formerly Invitae), Labcorp
Classification: Likely benign for Tatton-Brown-Rahman overgrowth syndrome. Last evaluated: 2025-09-13. Review status: criteria provided, single submitter. Criteria: Invitae Variant Classification Sherloc (09022015). Collection method: clinical testing. Allele origin: germline.

PreventionGenetics, part of Exact Sciences
Classification: Likely benign for DNMT3A-related condition. Last evaluated: 2024-12-30. Review status: criteria provided, single submitter. Criteria: ACMG Guidelines, 2015. Collection method: clinical testing. Allele origin: germline.
Comment: This variant is classified as likely benign based on ACMG/AMP sequence variant interpretation guidelines (Richards et al. 2015 PMID: 25741868, with internal and published modifications).

Blueprint Genetics
Classification: Likely benign. Last evaluated: 2024-11-18. Review status: criteria provided, single submitter. Criteria: ACMG Guidelines, 2015. Collection method: clinical testing. Allele origin: germline.

GeneDx
Classification: Benign. Last evaluated: 2021-04-27. Review status: criteria provided, single submitter. Criteria: GeneDx Variant Classification Process June 2021. Collection method: clinical testing. Allele origin: germline. Affected: yes.